The following is an entry in ClinVar:

ClinVar aggregate classification (germline): Uncertain significance. Review status: criteria provided, multiple submitters, no conflicts (2 of 4 stars). 3 submissions from 3 submitters: Uncertain significance (2). 1 of the submissions does not count toward it. Last evaluated 2026-01-19.

Conditions:
COL18A1-related disorder. Also called: COL18A1-related condition; COL18A1-related disorders.

Allele frequency attached by ClinVar (database versions not stated): gnomAD 0.00001; gnomAD exomes 0.00001; TOPMed 0.00002.
gnomAD v4.1: 16 of 1,495,474 alleles (0.0011%); highest among the groups gnomAD compares: Admixed American, 0.013%; no homozygotes.

Submissions (3):

Labcorp Genetics (formerly Invitae), Labcorp
Classification: Uncertain significance. Last evaluated: 2026-01-19. Review status: criteria provided, single submitter. Criteria: Invitae Variant Classification Sherloc (09022015). Collection method: clinical testing. Allele origin: germline.
Comment: This sequence change replaces glutamic acid, which is acidic and polar, with lysine, which is basic and polar, at codon 406 of the COL18A1 protein (p.Glu406Lys). The frequency data for this variant in the population databases is considered unreliable, as metrics indicate poor data quality at this position in the gnomAD database. This variant has not been reported in the literature in individuals affected with COL18A1-related conditions. ClinVar contains an entry for this variant (Variation ID: 1309417). Experimental studies and prediction algorithms are not available or were not evaluated, and the functional significance of this variant is currently unknown. In summary, the available evidence is currently insufficient to determine the role of this variant in disease. Therefore, it has been classified as a Variant of Uncertain Significance.

GeneDx
Classification: Uncertain significance. Last evaluated: 2019-10-16. Review status: criteria provided, single submitter. Criteria: GeneDx Variant Classification Process June 2021. Collection method: clinical testing. Allele origin: germline. Affected: yes.
Comment: In silico analysis, which includes protein predictors and evolutionary conservation, supports a deleterious effect; Has not been previously published as pathogenic or benign to our knowledge

PreventionGenetics, part of Exact Sciences
Classification: Uncertain significance for COL18A1-related condition. Last evaluated: 2024-07-10. Review status: no assertion criteria provided. Collection method: clinical testing. Allele origin: germline. Not counted in ClinVar's aggregate classification.
Comment: The COL18A1 c.1756G>A variant is predicted to result in the amino acid substitution p.Glu586Lys. To our knowledge, this variant has not been reported in the literature. This variant is reported in 0.012% of alleles in individuals of Latino descent in gnomAD. At this time, the clinical significance of this variant is uncertain due to the absence of conclusive functional and genetic evidence.

NM_001379500.1(COL18A1):c.1216G>A (p.Glu406Lys)

Gene: COL18A1 (collagen type XVIII alpha 1 chain; plus strand). Cytogenetic location: 21q22.3.
Variant type: single nucleotide variant.
Coding change: c.1216G>A on transcript NM_001379500.1 (MANE Select); coding-DNA position 1216, G replaced by A.
Protein change: p.Glu406Lys; replaces glutamic acid 406 with lysine.
Molecular consequence: missense variant.
Genome position (GRCh38, 1-based): chr21:45,477,960, G>A. VCF-style: chr21-45477960-G-A. GRCh37 (hg19) VCF-style: chr21-46897874-G-A.
Other names: NM_130445.2:c.1216G>A; c.1756G>A, p.Glu586Lys (NM_030582.4); c.2461G>A, p.Glu821Lys (NM_130444.3); c.1756G>A (NM_030582.3); short protein forms E406K, E586K, E821K.
Identifiers: ClinVar variation 1309417 (VCV001309417.6), dbSNP rs766573503, ClinGen allele CA10066105.
Genomic context (GRCh38, chr21:45,477,960, plus strand): 5'-CCCGGACCACAAGGACCCCCAGGGCCTCCGGGGAGGGACGGCACCCCTGGAAGGGACGGC[G>A]AGCCGGTGAGTCCTCACGTCCCCCCGAGTCCGGCCCGGTCTGGAGGGTGGGGGCTTGGGT-3'
Protein context (NP_001366429.1, residues 396-416): GRDGTPGRDG[Glu406Lys]PGDPGEDGKP